The following is an entry in ClinVar:

NM_152703.5(SAMD9L):c.196C>T (p.Leu66Phe)

Gene: SAMD9L (sterile alpha motif domain containing 9 like; minus strand). Cytogenetic location: 7q21.2.
Variant type: single nucleotide variant.
Coding change: c.196C>T on transcript NM_152703.5 (MANE Select); coding-DNA position 196, C replaced by T.
Protein change: p.Leu66Phe; replaces leucine 66 with phenylalanine.
Molecular consequence: missense variant.
Genome position (GRCh38, 1-based): chr7:93,135,776, G>A on the plus strand (C>T on the coding strand, the complement: SAMD9L is on the minus strand). VCF-style: chr7-93135776-G-A. GRCh37 (hg19) VCF-style: chr7-92765089-G-A.
Other names: c.196C>T, p.Leu66Phe (NM_001303496.3, NM_001303497.3, NM_001303498.3 and 5 more transcripts); short protein forms L66F.
Identifiers: ClinVar variation 2103843 (VCV002103843.6), dbSNP rs187286856, ClinGen allele CA4343913.
Genomic context (GRCh38, chr7:93,135,776, plus strand): 5'-CATGATTGTCACTTTCAGGGGACTTACTATTCAATTTGTTGTATGAACGTTTTATCAAAA[G>A]TGCTGGACCCCATGGTAGCCCCATTTCTACAAGGTCCTTCTCAGTTAATTCCTGCAGGAC-3'
Protein context (NP_689916.2, residues 56-76): VEMGLPWGPA[Leu66Phe]LIKRSYNKLN

ClinVar aggregate classification (germline): Uncertain significance. Review status: criteria provided, multiple submitters, no conflicts (2 of 4 stars). 2 submissions from 2 submitters: Uncertain significance (2). Last evaluated 2024-11-23.

Conditions:
Inborn genetic diseases. Identifiers: MedGen C0950123, MeSH D030342.

gnomAD v4.1: 6 of 1,614,034 alleles (0.00037%); highest among the groups gnomAD compares: Non-Finnish European, 0.00051%; no homozygotes.

Submissions (2):

Ambry Genetics
Classification: Uncertain significance for Inborn genetic diseases. Last evaluated: 2024-11-23. Review status: criteria provided, single submitter. Criteria: Ambry Variant Classification Scheme 2023. Collection method: clinical testing. Allele origin: germline.
Comment: The p.L66F variant (also known as c.196C>T), located in coding exon 1 of the SAMD9L gene, results from a C to T substitution at nucleotide position 196. The leucine at codon 66 is replaced by phenylalanine, an amino acid with highly similar properties. This amino acid position is conserved. In addition, this alteration is predicted to be tolerated by in silico analysis. Based on the available evidence, the clinical significance of this variant remains unclear.

Labcorp Genetics (formerly Invitae), Labcorp
Classification: Uncertain significance. Last evaluated: 2022-02-27. Review status: criteria provided, single submitter. Criteria: Invitae Variant Classification Sherloc (09022015). Collection method: clinical testing. Allele origin: germline.
Comment: In summary, the available evidence is currently insufficient to determine the role of this variant in disease. Therefore, it has been classified as a Variant of Uncertain Significance. Algorithms developed to predict the effect of missense changes on protein structure and function are either unavailable or do not agree on the potential impact of this missense change (SIFT: "Not Available"; PolyPhen-2: "Possibly Damaging"; Align-GVGD: "Not Available"). This variant has not been reported in the literature in individuals affected with SAMD9L-related conditions. This variant is present in population databases (rs187286856, gnomAD 0.002%). This sequence change replaces leucine, which is neutral and non-polar, with phenylalanine, which is neutral and non-polar, at codon 66 of the SAMD9L protein (p.Leu66Phe).